The following is an entry in ClinVar:

NM_018979.4(WNK1):c.1153+3A>G

Gene: WNK1 (WNK lysine deficient protein kinase 1; plus strand). Cytogenetic location: 12p13.33.
Variant type: single nucleotide variant.
Coding change: c.1153+3A>G on transcript NM_018979.4 (MANE Select); 3 bases into the intron after coding-DNA position 1153, A replaced by G.
Molecular consequence: intron variant.
Genome position (GRCh38, 1-based): chr12:827,265, A>G. VCF-style: chr12-827265-A-G. GRCh37 (hg19) VCF-style: chr12-936431-A-G.
Other names: c.1153+3A>G (NM_213655.5, NM_001184985.2, NM_014823.3).
Identifiers: ClinVar variation 2076871 (VCV002076871.4), dbSNP rs1393074516, ClinGen allele CA383328448.

ClinVar aggregate classification (germline): Uncertain significance (1 of 4 stars; one submission).

Conditions:
Neuropathy, hereditary sensory and autonomic, type 2A (HSAN2A). Also called: ACROOSTEOLYSIS, GIACCAI TYPE; ACROOSTEOLYSIS, NEUROGENIC; MORVAN DISEASE; NEUROPATHY, CONGENITAL SENSORY; NEUROPATHY, HEREDITARY SENSORY RADICULAR, AUTOSOMAL RECESSIVE; NEUROPATHY, HEREDITARY SENSORY, TYPE IIA. Identifiers: Orphanet 970, MedGen C2752089, MONDO:0024309, OMIM 201300.
Pseudohypoaldosteronism type 2C (PHA2C). Also called: Pseudohypoaldosteronism Type IIC. Identifiers: Orphanet 757, Orphanet 88940, MedGen C1840391, MONDO:0013778, OMIM 614492.

Allele frequency attached by ClinVar (database versions not stated): TOPMed 0.00002; gnomAD exomes below 0.00001; gnomAD 0.00002.
gnomAD v4.1: 6 of 1,613,202 alleles (0.00037%); highest among the groups gnomAD compares: Admixed American, 0.0067%; no homozygotes.

Submission:

Labcorp Genetics (formerly Invitae), Labcorp
Classification: Uncertain significance for Neuropathy, hereditary sensory and autonomic, type 2A; Pseudohypoaldosteronism type 2C. Last evaluated: 2023-12-21. Review status: criteria provided, single submitter. Criteria: Invitae Variant Classification Sherloc (09022015). Collection method: clinical testing. Allele origin: germline.
Comment: This sequence change falls in intron 3 of the WNK1 gene. It does not directly change the encoded amino acid sequence of the WNK1 protein. It affects a nucleotide within the consensus splice site. This variant is present in population databases (no rsID available, gnomAD 0.1%). This variant has not been reported in the literature in individuals affected with WNK1-related conditions. ClinVar contains an entry for this variant (Variation ID: 2076871). Variants that disrupt the consensus splice site are a relatively common cause of aberrant splicing (PMID: 17576681, 9536098). Algorithms developed to predict the effect of sequence changes on RNA splicing suggest that this variant is not likely to affect RNA splicing. In summary, the available evidence is currently insufficient to determine the role of this variant in disease. Therefore, it has been classified as a Variant of Uncertain Significance.

Literature cited by the submitters: PubMed 17576681; PubMed 9536098.